The following is an entry in ClinVar:

ClinVar aggregate classification (germline): Uncertain significance (1 of 4 stars; one submission).

Conditions:
Atrioventricular septal defect 5 (AVSD5). Identifiers: MedGen C3280939, MONDO:0013769, OMIM 614474.

Allele frequency attached by ClinVar (database versions not stated): gnomAD 0.00001; TOPMed 0.00001.
gnomAD v4.1: 5 of 1,599,272 alleles (0.00031%); highest among the groups gnomAD compares: African/African-American, 0.0067%; no homozygotes.

Submission:

Labcorp Genetics (formerly Invitae), Labcorp
Classification: Uncertain significance for Atrioventricular septal defect 5. Last evaluated: 2023-06-20. Review status: criteria provided, single submitter. Criteria: Invitae Variant Classification Sherloc (09022015). Collection method: clinical testing. Allele origin: germline.
Comment: Algorithms developed to predict the effect of missense changes on protein structure and function output the following: SIFT: "Not Available"; PolyPhen-2: "Benign"; Align-GVGD: "Not Available". The glycine amino acid residue is found in multiple mammalian species, which suggests that this missense change does not adversely affect protein function. ClinVar contains an entry for this variant (Variation ID: 1360922). This variant has not been reported in the literature in individuals affected with GATA6-related conditions. This variant is not present in population databases (gnomAD no frequency). This sequence change replaces alanine, which is neutral and non-polar, with glycine, which is neutral and non-polar, at codon 17 of the GATA6 protein (p.Ala17Gly). In summary, the available evidence is currently insufficient to determine the role of this variant in disease. Therefore, it has been classified as a Variant of Uncertain Significance.

NM_005257.6(GATA6):c.50C>G (p.Ala17Gly)

Gene: GATA6 (GATA binding protein 6; plus strand). Cytogenetic location: 18q11.2.
Variant type: single nucleotide variant.
Coding change: c.50C>G on transcript NM_005257.6 (MANE Select); coding-DNA position 50, C replaced by G.
Protein change: p.Ala17Gly; replaces alanine 17 with glycine.
Molecular consequence: missense variant.
Genome position (GRCh38, 1-based): chr18:22,171,194, C>G. VCF-style: chr18-22171194-C-G. GRCh37 (hg19) VCF-style: chr18-19751155-C-G.
Other names: short protein forms A17G.
Identifiers: ClinVar variation 1360922 (VCV001360922.8), dbSNP rs1030316600, ClinGen allele CA297147005.